The following is an entry in ClinVar:

NM_001128159.3(VPS53):c.740T>C (p.Ile247Thr)

Gene: VPS53 (VPS53 subunit of GARP complex; minus strand). Cytogenetic location: 17p13.3.
Variant type: single nucleotide variant.
Coding change: c.740T>C on transcript NM_001128159.3 (MANE Select); coding-DNA position 740, T replaced by C.
Protein change: p.Ile247Thr; replaces isoleucine 247 with threonine.
Molecular consequence: missense variant.
Genome position (GRCh38, 1-based): chr17:628,179, A>G on the plus strand (T>C on the coding strand, the complement: VPS53 is on the minus strand). VCF-style: chr17-628179-A-G. GRCh37 (hg19) VCF-style: chr17-531419-A-G.
Other names: c.740T>C, p.Ile247Thr (NM_001366253.2); c.146T>C, p.Ile49Thr (NM_001366254.2); c.653T>C, p.Ile218Thr (NM_018289.4); short protein forms I247T, I218T, I49T.
Identifiers: ClinVar variation 373156 (VCV000373156.1), dbSNP rs1057518257, ClinGen allele CA16043031.

ClinVar aggregate classification (germline): Uncertain significance (1 of 4 stars; one submission).

Submission:

GeneDx
Classification: Uncertain significance. Last evaluated: 2016-11-22. Review status: criteria provided, single submitter. Criteria: GeneDx Variant Classification (06012015). Collection method: clinical testing. Allele origin: germline. Affected: yes.
Comment: A variant of uncertain significance has been identified in the VPS53 gene. The I247T variant has not been published as a pathogenic variant, nor has it been reported as a benign variant to our knowledge. The I247T variant is not observed in large population cohorts (Lek et al., 2016; 1000 Genomes Consortium et al., 2015; Exome Variant Server). The I247T variant is a non-conservative amino acid substitution, which is likely to impact secondary protein structure as these residues differ in polarity, charge, size and/or other properties. This substitution occurs at a position where amino acids with similar properties to Isoleucine are tolerated across species. In silico analysis is inconsistent in its predictions as to whether or not the variant is damaging to the protein structure/function. Based on the currently available information, it is unclear whether this variant is a pathogenic variant or a rare benign variant.